The following is an entry in ClinVar:

NM_001142800.2(EYS):c.3508T>C (p.Cys1170Arg)

Gene: EYS (EGF-like photoreceptor maintenance factor; minus strand). Cytogenetic location: 6q12.
Variant type: single nucleotide variant.
Coding change: c.3508T>C on transcript NM_001142800.2 (MANE Select); coding-DNA position 3508, T replaced by C.
Protein change: p.Cys1170Arg; replaces cysteine 1170 with arginine.
Molecular consequence: missense variant.
Genome position (GRCh38, 1-based): chr6:64,626,181, A>G on the plus strand (T>C on the coding strand, the complement: EYS is on the minus strand). VCF-style: chr6-64626181-A-G. GRCh37 (hg19) VCF-style: chr6-65336074-A-G.
Other names: c.3508T>C, p.Cys1170Arg (NM_001292009.2); short protein forms C1170R.
Identifiers: ClinVar variation 838168 (VCV000838168.9), dbSNP rs1243635695, ClinGen allele CA364785394.

ClinVar aggregate classification (germline): Uncertain significance (1 of 4 stars; one submission).

Allele frequency attached by ClinVar (database versions not stated): gnomAD exomes below 0.00001 and 0.00001.
gnomAD v4.1: 1 of 1,544,432 alleles (0.000065%); highest among the groups gnomAD compares: Admixed American, 0.002%; no homozygotes.

Submission:

Labcorp Genetics (formerly Invitae), Labcorp
Classification: Uncertain significance. Last evaluated: 2019-12-27. Review status: criteria provided, single submitter. Criteria: Invitae Variant Classification Sherloc (09022015). Collection method: clinical testing. Allele origin: germline.
Comment: In summary, the available evidence is currently insufficient to determine the role of this variant in disease. Therefore, it has been classified as a Variant of Uncertain Significance. Algorithms developed to predict the effect of missense changes on protein structure and function (SIFT, PolyPhen-2, Align-GVGD) all suggest that this variant is likely to be disruptive, but these predictions have not been confirmed by published functional studies and their clinical significance is uncertain. This variant has not been reported in the literature in individuals with EYS-related conditions. This variant is not present in population databases (ExAC no frequency). This sequence change replaces cysteine with arginine at codon 1170 of the EYS protein (p.Cys1170Arg). The cysteine residue is highly conserved and there is a large physicochemical difference between cysteine and arginine.